The following is an entry in ClinVar:

NM_006214.4(PHYH):c.952G>A (p.Val318Met)

Gene: PHYH (phytanoyl-CoA 2-hydroxylase; minus strand). Cytogenetic location: 10p13.
Variant type: single nucleotide variant.
Coding change: c.952G>A on transcript NM_006214.4 (MANE Select); coding-DNA position 952, G replaced by A.
Protein change: p.Val318Met; replaces valine 318 with methionine.
Molecular consequence: missense variant.
Genome position (GRCh38, 1-based): chr10:13,280,987, C>T on the plus strand (G>A on the coding strand, the complement: PHYH is on the minus strand). VCF-style: chr10-13280987-C-T. GRCh37 (hg19) VCF-style: chr10-13322987-C-T.
Other names: c.652G>A, p.Val218Met (NM_001037537.2, NM_001323080.2); c.958G>A, p.Val320Met (NM_001323082.2); c.688G>A, p.Val230Met (NM_001323083.2); c.658G>A, p.Val220Met (NM_001323084.2); c.952G>A (NM_006214.3); short protein forms V220M, V318M, V218M, V230M, V320M.
Identifiers: ClinVar variation 1430397 (VCV001430397.4), dbSNP rs148951882, ClinGen allele CA5412197.

ClinVar aggregate classification (germline): Conflicting classifications of pathogenicity. Review status: criteria provided, conflicting classifications (1 of 4 stars). 2 submissions from 2 submitters: Uncertain significance (1); Likely benign (1). Last evaluated 2023-11-29.

Conditions:
Inborn genetic diseases. Identifiers: MedGen C0950123, MeSH D030342.

Allele frequency attached by ClinVar (database versions not stated): gnomAD exomes 0.00001 and 0.00004; gnomAD 0.00003; ExAC 0.00004; TOPMed 0.00011; 1000 Genomes Project 0.00020; ESP Exome Variant Server 0.00023; 1000 Genomes Project 30x 0.00031.
gnomAD v4.1: 21 of 1,613,970 alleles (0.0013%); highest among the groups gnomAD compares: Admixed American, 0.01%; no homozygotes.

Submissions (2):

Ambry Genetics
Classification: Likely benign for Inborn genetic diseases. Last evaluated: 2023-11-29. Review status: criteria provided, single submitter. Criteria: Ambry Variant Classification Scheme 2023. Collection method: clinical testing. Allele origin: germline.

Labcorp Genetics (formerly Invitae), Labcorp
Classification: Uncertain significance. Last evaluated: 2022-08-16. Review status: criteria provided, single submitter. Criteria: Invitae Variant Classification Sherloc (09022015). Collection method: clinical testing. Allele origin: germline.
Comment: This sequence change replaces valine, which is neutral and non-polar, with methionine, which is neutral and non-polar, at codon 318 of the PHYH protein (p.Val318Met). This variant is present in population databases (rs148951882, gnomAD 0.004%). This variant has not been reported in the literature in individuals affected with PHYH-related conditions. ClinVar contains an entry for this variant (Variation ID: 1430397). Algorithms developed to predict the effect of missense changes on protein structure and function output the following: SIFT: "Tolerated"; PolyPhen-2: "Benign"; Align-GVGD: "Class C0". The methionine amino acid residue is found in multiple mammalian species, which suggests that this missense change does not adversely affect protein function. In summary, the available evidence is currently insufficient to determine the role of this variant in disease. Therefore, it has been classified as a Variant of Uncertain Significance.